The following is an entry in ClinVar:

ClinVar aggregate classification (germline): Uncertain significance (1 of 4 stars; one submission).

Submission:

Labcorp Genetics (formerly Invitae), Labcorp
Classification: Uncertain significance. Last evaluated: 2023-02-16. Review status: criteria provided, single submitter. Criteria: Invitae Variant Classification Sherloc (09022015). Collection method: clinical testing. Allele origin: germline.
Comment: Advanced modeling of protein sequence and biophysical properties (such as structural, functional, and spatial information, amino acid conservation, physicochemical variation, residue mobility, and thermodynamic stability) performed at Invitae indicates that this missense variant is not expected to disrupt ERBB2 protein function. In summary, the available evidence is currently insufficient to determine the role of this variant in disease. Therefore, it has been classified as a Variant of Uncertain Significance. This variant has not been reported in the literature in individuals affected with ERBB2-related conditions. This variant is not present in population databases (gnomAD no frequency). This sequence change replaces glutamic acid, which is acidic and polar, with lysine, which is basic and polar, at codon 620 of the ERBB2 protein (p.Glu620Lys).

NM_004448.4(ERBB2):c.1858G>A (p.Glu620Lys)

Gene: ERBB2 (erb-b2 receptor tyrosine kinase 2; plus strand). Cytogenetic location: 17q12.
Variant type: single nucleotide variant.
Coding change: c.1858G>A on transcript NM_004448.4 (MANE Select); coding-DNA position 1858, G replaced by A.
Protein change: p.Glu620Lys; replaces glutamic acid 620 with lysine.
Molecular consequence: missense variant. On other transcripts: non-coding transcript variant (1), intron variant (1).
Genome position (GRCh38, 1-based): chr17:39,717,440, G>A. VCF-style: chr17-39717440-G-A. GRCh37 (hg19) VCF-style: chr17-37873693-G-A.
Other names: c.1813G>A, p.Glu605Lys (NM_001289936.2); c.1858G>A, p.Glu620Lys (NM_001289937.2, NM_001382803.1, NM_001382805.1 and 9 more transcripts); c.1768G>A, p.Glu590Lys (NM_001005862.3, NM_001289938.2, NM_001382782.1 and 1 more transcripts); c.1975G>A, p.Glu659Lys (NM_001382784.1, NM_001382786.1); c.1960G>A, p.Glu654Lys (NM_001382785.1); c.1933G>A, p.Glu645Lys (NM_001382787.1); c.1888G>A, p.Glu630Lys (NM_001382788.1); c.1879G>A, p.Glu627Lys (NM_001382789.1); and 6 more; short protein forms E344K, E590K, E534K, E605K, E619K, E620K, E627K, E630K.
Identifiers: ClinVar variation 2992912 (VCV002992912.3), dbSNP rs2145711116, ClinGen allele CA399295883.